The following is an entry in ClinVar:

NM_001394998.1(TANC2):c.2949del (p.Asn984fs)

Genes: TANC2 (tetratricopeptide repeat, ankyrin repeat and coiled-coil containing 2; plus strand), LOC105371856 (uncharacterized LOC105371856; minus strand). Cytogenetic location: 17q23.3.
Variant type: Deletion.
Coding change: c.2949del on transcript NM_001394998.1 (MANE Select); coding-DNA position 2949, one base deleted (C; older notation c.2949delC).
Protein change: p.Asn984fs; shifts the reading frame from asparagine 984.
Molecular consequence: frameshift variant.
Genome position (GRCh38, 1-based): chr17:63,389,442, C deleted; the last of 2 consecutive C bases (chr17:63,389,441-63,389,442); deleting either gives the same sequence. VCF-style (leftmost placement, unchanged base first): chr17-63389440-GC-G. GRCh37 (hg19) VCF-style: chr17-61466801-GC-G.
Other names: c.2727del, p.Asn910fs (NM_001411076.1, NM_025185.4); short protein forms N984fs, N910fs.
Identifiers: ClinVar variation 3324357 (VCV003324357.1).

ClinVar aggregate classification (germline): Pathogenic (1 of 4 stars; one submission).

Conditions:
Inborn genetic diseases. Identifiers: MedGen C0950123, MeSH D030342.

Submission:

Ambry Genetics
Classification: Pathogenic for Inborn genetic diseases. Last evaluated: 2024-05-23. Review status: criteria provided, single submitter. Criteria: Ambry Variant Classification Scheme 2023. Collection method: clinical testing. Allele origin: germline.
Comment: The c.2727delC (p.N910Tfs*10) alteration, located in exon 15 (coding exon 15) of the TANC2 gene, consists of a deletion of one nucleotide at position 2727, causing a translational frameshift with a predicted alternate stop codon after 10 amino acids. This alteration is expected to result in loss of function by premature protein truncation or nonsense-mediated mRNA decay. This variant was not reported in population-based cohorts in the Genome Aggregation Database (gnomAD). Based on the available evidence, this alteration is classified as pathogenic.